The following is an entry in ClinVar:

ClinVar aggregate classification (germline): Uncertain significance. Review status: criteria provided, multiple submitters, no conflicts (2 of 4 stars). 3 submissions from 3 submitters: Uncertain significance (3). Last evaluated 2024-10-29.

Conditions:
Inborn genetic diseases. Identifiers: MedGen C0950123, MeSH D030342.
EPILEPSY, CHILDHOOD ABSENCE, SUSCEPTIBILITY TO, 2 (ECA2). Identifiers: Orphanet 64280, MedGen C1843244, OMIM 607681.
Febrile seizures, familial, 8 (FEB8). Also called: CONVULSIONS, FAMILIAL FEBRILE, 8. Identifiers: Orphanet 36387, MedGen C1969810, MONDO:0011891, OMIM 607681.

Submissions (3):

GeneDx
Classification: Uncertain significance. Last evaluated: 2024-10-29. Review status: criteria provided, single submitter. Criteria: GeneDx Variant Classification Process June 2021. Collection method: clinical testing. Allele origin: germline. Affected: yes.
Comment: Not observed at significant frequency in large population cohorts (gnomAD); In silico analysis supports that this missense variant has a deleterious effect on protein structure/function; Has not been previously published as pathogenic or benign to our knowledge

Labcorp Genetics (formerly Invitae), Labcorp
Classification: Uncertain significance for Febrile seizures, familial, 8; EPILEPSY, CHILDHOOD ABSENCE, SUSCEPTIBILITY TO, 2. Last evaluated: 2023-10-22. Review status: criteria provided, single submitter. Criteria: Invitae Variant Classification Sherloc (09022015). Collection method: clinical testing. Allele origin: germline.
Comment: This sequence change replaces cysteine, which is neutral and slightly polar, with phenylalanine, which is neutral and non-polar, at codon 424 of the GABRG2 protein (p.Cys424Phe). This variant is not present in population databases (gnomAD no frequency). This variant has not been reported in the literature in individuals affected with GABRG2-related conditions. ClinVar contains an entry for this variant (Variation ID: 1719507). Advanced modeling of protein sequence and biophysical properties (such as structural, functional, and spatial information, amino acid conservation, physicochemical variation, residue mobility, and thermodynamic stability) performed at Invitae indicates that this missense variant is expected to disrupt GABRG2 protein function. In summary, the available evidence is currently insufficient to determine the role of this variant in disease. Therefore, it has been classified as a Variant of Uncertain Significance.

Ambry Genetics
Classification: Uncertain significance for Inborn genetic diseases. Last evaluated: 2017-09-18. Review status: criteria provided, single submitter. Criteria: Ambry Variant Classification Scheme 2023. Collection method: clinical testing. Allele origin: germline.
Comment: The p.C424F variant (also known as c.1271G>T), located in coding exon 9 of the GABRG2 gene, results from a G to T substitution at nucleotide position 1271. The cysteine at codon 424 is replaced by phenylalanine, an amino acid with highly dissimilar properties. This amino acid position is highly conserved in available vertebrate species. In addition, this alteration is predicted to be deleterious by in silico analysis. Since supporting evidence is limited at this time, the clinical significance of this alteration remains unclear.

NM_198904.4(GABRG2):c.1295G>T (p.Cys432Phe)

Gene: GABRG2 (gamma-aminobutyric acid type A receptor subunit gamma2; plus strand). Cytogenetic location: 5q34.
Variant type: single nucleotide variant.
Coding change: c.1295G>T on transcript NM_198904.4 (MANE Select); coding-DNA position 1295, G replaced by T.
Protein change: p.Cys432Phe; replaces cysteine 432 with phenylalanine.
Molecular consequence: missense variant. On other transcripts: 3 prime UTR variant (1).
Genome position (GRCh38, 1-based): chr5:162,153,235, G>T. VCF-style: chr5-162153235-G-T. GRCh37 (hg19) VCF-style: chr5-161580241-G-T.
Other names: c.1271G>T, p.Cys424Phe (NM_000816.3); c.1286G>T, p.Cys429Phe (NM_001375339.1); c.*129G>T (NM_001375340.1); c.1292G>T, p.Cys431Phe (NM_001375341.1); c.1268G>T, p.Cys423Phe (NM_001375342.1); c.1391G>T, p.Cys464Phe (NM_001375343.1); c.1334G>T, p.Cys445Phe (NM_001375344.1); c.1205G>T, p.Cys402Phe (NM_001375345.1); and 6 more; short protein forms C284F, C292F, C329F, C402F, C403F, C410F, C423F, C424F.
Identifiers: ClinVar variation 1719507 (VCV001719507.9), dbSNP rs2532775309, ClinGen allele CA362183693.